The following is an entry in ClinVar:

ClinVar aggregate classification (germline): Uncertain significance. Review status: criteria provided, multiple submitters, no conflicts (2 of 4 stars). 2 submissions from 2 submitters: Uncertain significance (2). Last evaluated 2025-03-26.

gnomAD v4.1: 1 of 1,594,414 alleles (0.000063%); highest among the groups gnomAD compares: Non-Finnish European, 0.000085%; no homozygotes.

Submissions (2):

Women's Health and Genetics/Laboratory Corporation of America, LabCorp
Classification: Uncertain significance. Last evaluated: 2025-03-26. Review status: criteria provided, single submitter. Criteria: LabCorp Variant Classification Summary - May 2015. Collection method: clinical testing. Allele origin: germline.
Comment: Variant summary: CACNA1G c.3200G>C (p.Arg1067Pro) results in a non-conservative amino acid change in the encoded protein sequence. Three of five in-silico tools predict a damaging effect of the variant on protein function. The variant was absent in 209266 control chromosomes. The available data on variant occurrences in the general population are insufficient to allow any conclusion about variant significance. To our knowledge, no occurrence of c.3200G>C in individuals affected with Spinocerebellar Ataxia Type 42 and no experimental evidence demonstrating its impact on protein function have been reported. ClinVar contains an entry for this variant (Variation ID: 1309451). Based on the evidence outlined above, the variant was classified as uncertain significance.

GeneDx
Classification: Uncertain significance. Last evaluated: 2019-10-14. Review status: criteria provided, single submitter. Criteria: GeneDx Variant Classification Process June 2021. Collection method: clinical testing. Allele origin: germline. Affected: yes.
Comment: Not observed in large population cohorts (Lek et al., 2016); In silico analysis, which includes protein predictors and evolutionary conservation, supports that this variant does not alter protein structure/function; Has not been previously published as pathogenic or benign to our knowledge

NM_018896.5(CACNA1G):c.3200G>C (p.Arg1067Pro)

Gene: CACNA1G (calcium voltage-gated channel subunit alpha1 G; plus strand). Cytogenetic location: 17q21.33.
Variant type: single nucleotide variant.
Coding change: c.3200G>C on transcript NM_018896.5 (MANE Select); coding-DNA position 3200, G replaced by C.
Protein change: p.Arg1067Pro; replaces arginine 1067 with proline.
Molecular consequence: missense variant. On other transcripts: non-coding transcript variant (5).
Genome position (GRCh38, 1-based): chr17:50,596,865, G>C. VCF-style: chr17-50596865-G-C. GRCh37 (hg19) VCF-style: chr17-48674226-G-C.
Other names: c.3200G>C, p.Arg1067Pro (NM_001256324.2, NM_001256325.2, NM_001256326.2 and 16 more transcripts); c.3131G>C, p.Arg1044Pro (NM_001256332.2, NM_198376.3, NM_198379.3 and 5 more transcripts); short protein forms R1044P, R1067P.
Identifiers: ClinVar variation 1309451 (VCV001309451.3), dbSNP rs369751310, ClinGen allele CA400252385.
Genomic context (GRCh38, chr17:50,596,865, plus strand): 5'-CCATGTCGCTGCCCAAGAGCACCAGCACGGGCCTGGGCGAGGCGCTGGGCCCTGCGTCGC[G>C]CCGCACCAGCAGCAGCGGGTCGGCAGAGCCTGGGGCGGCCCACGAGATGAAGTCACCGGT-3'
Protein context (NP_061496.2, residues 1057-1077): GLGEALGPAS[Arg1067Pro]RTSSSGSAEP